The following is an entry in ClinVar:

ClinVar aggregate classification (germline): Uncertain significance. Review status: criteria provided, multiple submitters, no conflicts (2 of 4 stars). 2 submissions from 2 submitters: Uncertain significance (2). Last evaluated 2024-06-06.

Submissions (2):

Athena Diagnostics
Classification: Uncertain significance. Last evaluated: 2024-06-06. Review status: criteria provided, single submitter. Criteria: Athena Diagnostics Criteria. Collection method: clinical testing. Allele origin: unknown.
Comment: Available data are insufficient to determine the clinical significance of the variant at this time. The frequency of this variant in the general population is uninformative in assessment of its pathogenicity. Computational tools yielded predictions that this variant is unlikely to have an effect on normal RNA splicing.

Blueprint Genetics
Classification: Uncertain significance. Last evaluated: 2019-09-11. Review status: criteria provided, single submitter. Criteria: ACMG Guidelines, 2015. Collection method: clinical testing. Allele origin: germline.

NM_130837.3(OPA1):c.2441-5T>C

Gene: OPA1 (OPA1 mitochondrial dynamin like GTPase; plus strand). Cytogenetic location: 3q29.
Variant type: single nucleotide variant.
Coding change: c.2441-5T>C on transcript NM_130837.3 (MANE Select); 5 bases into the intron before coding-DNA position 2441, T replaced by C.
Molecular consequence: intron variant.
Genome position (GRCh38, 1-based): chr3:193,659,477, T>C. VCF-style: chr3-193659477-T-C. GRCh37 (hg19) VCF-style: chr3-193377266-T-C.
Other names: c.1904-5T>C (NM_001354664.2); c.1907-5T>C (NM_001354663.2); c.2330-5T>C (NM_130834.3); c.2387-5T>C (NM_130836.3); c.2276-5T>C (NM_015560.3); c.2333-5T>C (NM_130835.3); c.2222-5T>C (NM_130832.3); c.2279-5T>C (NM_130833.3); and 1 more.
Identifiers: ClinVar variation 3571952 (VCV003571952.2).